The following is an entry in ClinVar:

NM_017755.6(NSUN2):c.1403C>T (p.Pro468Leu)

Gene: NSUN2 (NOP2/Sun RNA methyltransferase 2; minus strand). Cytogenetic location: 5p15.31.
Variant type: single nucleotide variant.
Coding change: c.1403C>T on transcript NM_017755.6 (MANE Select); coding-DNA position 1403, C replaced by T.
Protein change: p.Pro468Leu; replaces proline 468 with leucine.
Molecular consequence: missense variant. On other transcripts: non-coding transcript variant (1).
Genome position (GRCh38, 1-based): chr5:6,607,305, G>A on the plus strand (C>T on the coding strand, the complement: NSUN2 is on the minus strand). VCF-style: chr5-6607305-G-A. GRCh37 (hg19) VCF-style: chr5-6607418-G-A.
Other names: c.1298C>T, p.Pro433Leu (NM_001193455.2); short protein forms P433L, P468L.
Identifiers: ClinVar variation 1714358 (VCV001714358.5), dbSNP rs2477415272, ClinGen allele CA359118620.

ClinVar aggregate classification (germline): Uncertain significance (1 of 4 stars; one submission).

Allele frequency attached by ClinVar (database versions not stated): gnomAD exomes below 0.00001.
gnomAD v4.1: 1 of 1,614,168 alleles (0.000062%); highest among the groups gnomAD compares: Non-Finnish European, 0.000085%; no homozygotes.

Submission:

Labcorp Genetics (formerly Invitae), Labcorp
Classification: Uncertain significance. Last evaluated: 2022-08-08. Review status: criteria provided, single submitter. Criteria: Invitae Variant Classification Sherloc (09022015). Collection method: clinical testing. Allele origin: germline.
Comment: This sequence change replaces proline, which is neutral and non-polar, with leucine, which is neutral and non-polar, at codon 468 of the NSUN2 protein (p.Pro468Leu). This variant is not present in population databases (gnomAD no frequency). This variant has not been reported in the literature in individuals affected with NSUN2-related conditions. Algorithms developed to predict the effect of missense changes on protein structure and function (SIFT, PolyPhen-2, Align-GVGD) all suggest that this variant is likely to be tolerated. In summary, the available evidence is currently insufficient to determine the role of this variant in disease. Therefore, it has been classified as a Variant of Uncertain Significance.